The following is an entry in ClinVar:

NM_000081.4(LYST):c.9274A>G (p.Thr3092Ala)

Gene: LYST (lysosomal trafficking regulator; minus strand). Cytogenetic location: 1q42.3.
Variant type: single nucleotide variant.
Coding change: c.9274A>G on transcript NM_000081.4 (MANE Select); coding-DNA position 9274, A replaced by G.
Protein change: p.Thr3092Ala; replaces threonine 3092 with alanine.
Molecular consequence: missense variant.
Genome position (GRCh38, 1-based): chr1:235,724,069, T>C on the plus strand (A>G on the coding strand, the complement: LYST is on the minus strand). VCF-style: chr1-235724069-T-C. GRCh37 (hg19) VCF-style: chr1-235887369-T-C.
Other names: c.9274A>G, p.Thr3092Ala (NM_001301365.1); short protein forms T3092A.
Identifiers: ClinVar variation 4762255 (VCV004762255.1).

ClinVar aggregate classification (germline): Uncertain significance (1 of 4 stars; one submission).

Conditions:
Chédiak-Higashi syndrome (CHS). Also called: Chediak-Higashi Syndrome. Identifiers: Orphanet 167, MedGen C0007965, MONDO:0008963, OMIM 214500.

gnomAD v4.1: 1 of 1,613,816 alleles (0.000062%); highest among the groups gnomAD compares: African/African-American, 0.0013%; no homozygotes.

Submission:

Labcorp Genetics (formerly Invitae), Labcorp
Classification: Uncertain significance for Chédiak-Higashi syndrome. Last evaluated: 2025-06-24. Review status: criteria provided, single submitter. Criteria: Invitae Variant Classification Sherloc (09022015). Collection method: clinical testing. Allele origin: germline.
Comment: This sequence change replaces threonine, which is neutral and polar, with alanine, which is neutral and non-polar, at codon 3092 of the LYST protein (p.Thr3092Ala). This variant is not present in population databases (gnomAD no frequency). This variant has not been reported in the literature in individuals affected with LYST-related conditions. Invitae Evidence Modeling of protein sequence and biophysical properties (such as structural, functional, and spatial information, amino acid conservation, physicochemical variation, residue mobility, and thermodynamic stability) has been performed for this missense variant. However, the output from this modeling did not meet the statistical confidence thresholds required to predict the impact of this variant on LYST protein function. In summary, the available evidence is currently insufficient to determine the role of this variant in disease. Therefore, it has been classified as a Variant of Uncertain Significance.